The following is an entry in ClinVar:

ClinVar aggregate classification (germline): Uncertain significance (1 of 4 stars; one submission).

Conditions:
Retinoblastoma (RB1). Also called: RETINOBLASTOMA, SOMATIC. Identifiers: Orphanet 790, MedGen C0035335, MeSH D012175, MONDO:0008380, OMIM 180200, HP:0009919. Disease mechanism: loss of function. Inheritance: Both sporadic and heritable forms are tested..

Submission:

Labcorp Genetics (formerly Invitae), Labcorp
Classification: Uncertain significance for Retinoblastoma. Last evaluated: 2024-04-14. Review status: criteria provided, single submitter. Criteria: Invitae Variant Classification Sherloc (09022015). Collection method: clinical testing. Allele origin: germline.
Comment: This variant occurs in a non-coding region of the RB1 gene. It does not change the encoded amino acid sequence of the RB1 protein. This variant is not present in population databases (gnomAD no frequency). This variant has not been reported in the literature in individuals affected with RB1-related conditions. Experimental studies and prediction algorithms are not available or were not evaluated, and the functional significance of this variant is currently unknown. In summary, the available evidence is currently insufficient to determine the role of this variant in disease. Therefore, it has been classified as a Variant of Uncertain Significance.

NC_000013.11:g.48303711G>C

Gene: RB1 (RB transcriptional corepressor 1; plus strand). Cytogenetic location: 13q14.2.
Variant type: single nucleotide variant.
Genome position: GRCh38 VCF-style: chr13-48303711-G-C. GRCh37 (hg19) VCF-style: chr13-48877847-G-C.
Identifiers: ClinVar variation 3666028 (VCV003666028.2).